The following is an entry in ClinVar:

NM_007327.4(GRIN1):c.1633-3C>T

Gene: GRIN1 (glutamate ionotropic receptor NMDA type subunit 1; plus strand). Cytogenetic location: 9q34.3.
Variant type: single nucleotide variant.
Coding change: c.1633-3C>T on transcript NM_007327.4 (MANE Select); 3 bases into the intron before coding-DNA position 1633, C replaced by T.
Molecular consequence: intron variant.
Genome position (GRCh38, 1-based): chr9:137,162,169, C>T. VCF-style: chr9-137162169-C-T. GRCh37 (hg19) VCF-style: chr9-140056621-C-T.
Other names: c.1696-3C>T (NM_001185090.2, NM_001185091.2); c.1633-3C>T (NM_021569.4, NM_000832.7).
Identifiers: ClinVar variation 2009527 (VCV002009527.4), dbSNP rs1833591324, ClinGen allele CA1884330920.

ClinVar aggregate classification (germline): Uncertain significance (1 of 4 stars; one submission).

Conditions:
Neurodevelopmental disorder with or without hyperkinetic movements and seizures, autosomal dominant. Also called: Intellectual disability, autosomal dominant 8. Identifiers: MedGen C3280282, MONDO:0013655, OMIM 614254.

Submission:

Labcorp Genetics (formerly Invitae), Labcorp
Classification: Uncertain significance for Neurodevelopmental disorder with or without hyperkinetic movements and seizures, autosomal dominant. Last evaluated: 2022-06-23. Review status: criteria provided, single submitter. Criteria: Invitae Variant Classification Sherloc (09022015). Collection method: clinical testing. Allele origin: germline.
Comment: This sequence change falls in intron 11 of the GRIN1 gene. It does not directly change the encoded amino acid sequence of the GRIN1 protein. It affects a nucleotide within the consensus splice site. This variant is not present in population databases (gnomAD no frequency). This variant has not been reported in the literature in individuals affected with GRIN1-related conditions. Variants that disrupt the consensus splice site are a relatively common cause of aberrant splicing (PMID: 17576681, 9536098). Algorithms developed to predict the effect of sequence changes on RNA splicing suggest that this variant is not likely to affect RNA splicing. In summary, the available evidence is currently insufficient to determine the role of this variant in disease. Therefore, it has been classified as a Variant of Uncertain Significance.

Literature cited by the submitters: PubMed 17576681; PubMed 9536098.